The following is an entry in ClinVar:

NM_005359.6(SMAD4):c.35G>A (p.Ser12Asn)

Gene: SMAD4 (SMAD family member 4; plus strand). Cytogenetic location: 18q21.2.
Variant type: single nucleotide variant.
Coding change: c.35G>A on transcript NM_005359.6 (MANE Select); coding-DNA position 35, G replaced by A.
Protein change: p.Ser12Asn; replaces serine 12 with asparagine.
Molecular consequence: missense variant.
Genome position (GRCh38, 1-based): chr18:51,047,081, G>A. VCF-style: chr18-51047081-G-A. GRCh37 (hg19) VCF-style: chr18-48573451-G-A.
Other names: short protein forms S12N.
Identifiers: ClinVar variation 1405017 (VCV001405017.6), dbSNP rs2144400408, ClinGen allele CA402457305.

ClinVar aggregate classification (germline): Uncertain significance (1 of 4 stars; one submission).

Conditions:
Juvenile polyposis syndrome (JPS). Identifiers: Orphanet 2929, MedGen C0345893, MONDO:0017380, OMIM 174900.

Submission:

Labcorp Genetics (formerly Invitae), Labcorp
Classification: Uncertain significance for Juvenile polyposis syndrome. Last evaluated: 2025-12-03. Review status: criteria provided, single submitter. Criteria: Invitae Variant Classification Sherloc (09022015). Collection method: clinical testing. Allele origin: germline.
Comment: This sequence change replaces serine, which is neutral and polar, with asparagine, which is neutral and polar, at codon 12 of the SMAD4 protein (p.Ser12Asn). This variant is not present in population databases (gnomAD no frequency). This variant has not been reported in the literature in individuals affected with SMAD4-related conditions. ClinVar contains an entry for this variant (Variation ID: 1405017). Invitae Evidence Modeling of protein sequence and biophysical properties (such as structural, functional, and spatial information, amino acid conservation, physicochemical variation, residue mobility, and thermodynamic stability) has been performed for this missense variant. However, the output from this modeling did not meet the statistical confidence thresholds required to predict the impact of this variant on SMAD4 protein function. In summary, the available evidence is currently insufficient to determine the role of this variant in disease. Therefore, it has been classified as a Variant of Uncertain Significance.